The following is an entry in ClinVar:

NM_000260.4(MYO7A):c.5080G>A (p.Val1694Ile)

Gene: MYO7A (myosin VIIA; plus strand). Cytogenetic location: 11q13.5.
Variant type: single nucleotide variant.
Coding change: c.5080G>A on transcript NM_000260.4 (MANE Select); coding-DNA position 5080, G replaced by A.
Protein change: p.Val1694Ile; replaces valine 1694 with isoleucine.
Molecular consequence: missense variant.
Genome position (GRCh38, 1-based): chr11:77,202,336, G>A. VCF-style: chr11-77202336-G-A. GRCh37 (hg19) VCF-style: chr11-76913381-G-A.
Other names: c.4966G>A, p.Val1656Ile (NM_001127180.2); c.4933G>A, p.Val1645Ile (NM_001369365.1); short protein forms V1656I, V1645I, V1694I.
Identifiers: ClinVar variation 964759 (VCV000964759.8), dbSNP rs113966094, ClinGen allele CA6198617.

ClinVar aggregate classification (germline): Uncertain significance. Review status: criteria provided, multiple submitters, no conflicts (2 of 4 stars). 3 submissions from 3 submitters: Uncertain significance (2). 1 of the submissions does not count toward it. Last evaluated 2025-05-20.

Conditions:
Usher syndrome type 1B (USH1B). Also called: Usher syndrome type IB. Identifiers: MedGen C1848638, MONDO:0700087.
Inborn genetic diseases. Identifiers: MedGen C0950123, MeSH D030342.

Allele frequency attached by ClinVar (database versions not stated): ExAC 0.00003; gnomAD exomes 0.00004 and 0.00005.

Submissions (3):

Ambry Genetics
Classification: Uncertain significance for Inborn genetic diseases. Last evaluated: 2025-05-20. Review status: criteria provided, single submitter. Criteria: Ambry Variant Classification Scheme 2023. Collection method: clinical testing. Allele origin: germline.

Labcorp Genetics (formerly Invitae), Labcorp
Classification: Uncertain significance. Last evaluated: 2022-08-15. Review status: criteria provided, single submitter. Criteria: Invitae Variant Classification Sherloc (09022015). Collection method: clinical testing. Allele origin: germline.
Comment: This sequence change replaces valine, which is neutral and non-polar, with isoleucine, which is neutral and non-polar, at codon 1694 of the MYO7A protein (p.Val1694Ile). This variant is present in population databases (rs113966094, gnomAD 0.008%). This variant has not been reported in the literature in individuals affected with MYO7A-related conditions. ClinVar contains an entry for this variant (Variation ID: 964759). Advanced modeling of protein sequence and biophysical properties (such as structural, functional, and spatial information, amino acid conservation, physicochemical variation, residue mobility, and thermodynamic stability) performed at Invitae indicates that this missense variant is not expected to disrupt MYO7A protein function. In summary, the available evidence is currently insufficient to determine the role of this variant in disease. Therefore, it has been classified as a Variant of Uncertain Significance.

Natera, Inc.
Classification: Uncertain significance for Usher syndrome type 1B. Last evaluated: 2020-03-01. Review status: no assertion criteria provided. Collection method: clinical testing. Allele origin: germline. Not counted in ClinVar's aggregate classification.